The following is an entry in ClinVar:

ClinVar aggregate classification (germline): Pathogenic. Review status: criteria provided, multiple submitters, no conflicts (2 of 4 stars). 2 submissions from 2 submitters: Pathogenic (2). Last evaluated 2023-01-24.

Conditions:
Leukodystrophy. Identifiers: Orphanet 68356, MedGen C0023520, MONDO:0019046, HP:0002415.
Leukodystrophy, hypomyelinating, 7, with or without oligodontia and/or hypogonadotropic hypogonadism (HLD7). Also called: LEUKODYSTROPHY, HYPOMYELINATING, 7, WITH OLIGODONTIA; LEUKODYSTROPHY, HYPOMYELINATING, 7, WITH OLIGODONTIA AND HYPOGONADOTROPIC HYPOGONADISM; LEUKODYSTROPHY, HYPOMYELINATING, 7, WITHOUT OLIGODONTIA OR HYPOGONADOTROPIC HYPOGONADISM; LEUKOENCEPHALOPATHY, HYPOMYELINATING, WITH ATAXIA AND DELAYED DENTITION; ATAXIA, DELAYED DENTITION, AND HYPOMYELINATION; Ataxia, Delayed Dentition and Hypomyelination (ADDH). Identifiers: Orphanet 137639, Orphanet 447893, Orphanet 447896, Orphanet 77295, Orphanet 88637, MedGen CN034185, MONDO:0011897, OMIM 607694.

Allele frequency attached by ClinVar (database versions not stated): gnomAD exomes below 0.00001; TOPMed below 0.00001.
gnomAD v4.1: 7 of 1,613,970 alleles (0.00043%); highest among the groups gnomAD compares: South Asian, 0.0011%; no homozygotes.

Submissions (2):

Broad Center for Mendelian Genomics, Broad Institute of MIT and Harvard
Classification: Pathogenic for Leukodystrophy. Last evaluated: 2023-01-24. Review status: criteria provided, single submitter. Criteria: ACMG Guidelines, 2015. Collection method: curation. Allele origin: germline. Inheritance: Autosomal recessive inheritance.
Comment: The p.Arg1245Ter variant in POLR3A has been reported in 2 individuals, in the compound heterozygous state, with hypomyelinating leukodystrophy (PMID: 34296356), and has been identified in 0.003% (1/30610) of South Asian chromosomes by the Genome Aggregation Database (gnomAD; dbSNP ID: rs928051665). Although this variant has been seen in the general population in a heterozygous state, its frequency is low enough to be consistent with a recessive carrier frequency. This variant has also been reported in ClinVar (Variation ID#: 1030186) and has been interpreted as pathogenic by Baylor Genetics. This nonsense variant leads to a premature termination codon at position 1245, which is predicted to lead to a truncated or absent protein. Loss of function of the POLR3A gene is an established disease mechanism in autosomal recessive hypomyelinating leukodystrophy. In summary, this variant meets criteria to be classified as pathogenic for autosomal recessive hypomyelinating leukodystrophy. ACMG/AMP Criteria applied: PVS1, PM2_supporting, PM3_supporting (Richards 2015).

Baylor Genetics
Classification: Pathogenic for Leukodystrophy, hypomyelinating, 7, with or without oligodontia and/or hypogonadotropic hypogonadism. Last evaluated: 2019-07-17. Review status: criteria provided, single submitter. Criteria: ACMG Guidelines, 2015. Collection method: clinical testing. Allele origin: unknown. Affected: yes.
Comment: This variant was determined to be pathogenic according to ACMG Guidelines, 2015 [PMID:25741868].

NM_007055.4(POLR3A):c.3733C>T (p.Arg1245Ter)

Gene: POLR3A (RNA polymerase III subunit A; minus strand). Cytogenetic location: 10q22.3.
Variant type: single nucleotide variant.
Coding change: c.3733C>T on transcript NM_007055.4 (MANE Select); coding-DNA position 3733, C replaced by T.
Protein change: p.Arg1245Ter; replaces arginine 1245 with a stop codon.
Molecular consequence: nonsense.
Genome position (GRCh38, 1-based): chr10:77,982,180, G>A on the plus strand (C>T on the coding strand, the complement: POLR3A is on the minus strand). VCF-style: chr10-77982180-G-A. GRCh37 (hg19) VCF-style: chr10-79741938-G-A.
Other names: NM_007055.4(POLR3A):c.3733C>T; p.Arg1245Ter; short protein forms R1245*.
Identifiers: ClinVar variation 1030186 (VCV001030186.3), dbSNP rs928051665, ClinGen allele CA210188469.